The following is an entry in ClinVar:

NM_000370.3(TTPA):c.423G>A (p.Glu141=)

Gene: TTPA (alpha tocopherol transfer protein; minus strand). Cytogenetic location: 8q12.3.
Variant type: single nucleotide variant.
Coding change: c.423G>A on transcript NM_000370.3 (MANE Select); coding-DNA position 423, G replaced by A.
Protein change: p.Glu141=; no amino-acid change (glutamic acid 141 retained).
Molecular consequence: synonymous variant. On other transcripts: non-coding transcript variant (2), intron variant (3).
Genome position (GRCh38, 1-based): chr8:63,066,033, C>T on the plus strand (G>A on the coding strand, the complement: TTPA is on the minus strand). VCF-style: chr8-63066033-C-T. GRCh37 (hg19) VCF-style: chr8-63978592-C-T.
Other names: c.423G>A, p.Glu141= (NM_001413416.1); c.540G>A, p.Glu180= (NM_001413418.1); c.205-4608G>A (NM_001413417.1); c.205-1717G>A (NM_001413414.1); c.359-4608G>A (NM_001413415.1).
Identifiers: ClinVar variation 2083054 (VCV002083054.28), dbSNP rs2487147674, ClinGen allele CA461144406.

ClinVar aggregate classification (germline): Likely benign. Review status: criteria provided, multiple submitters, no conflicts (2 of 4 stars). 2 submissions from 2 submitters: Likely benign (2). Last evaluated 2022-04-01.

Submissions (2):

CeGaT Center for Human Genetics Tuebingen
Classification: Likely benign. Last evaluated: 2022-04-01. Review status: criteria provided, single submitter. Criteria: CeGaT Center For Human Genetics Tuebingen Variant Classification Criteria Version 2. Collection method: clinical testing. Allele origin: germline. Affected: yes. Observed: 1 variant allele.
Comment: TTPA: PM2:Supporting, BP4, BP7

Labcorp Genetics (formerly Invitae), Labcorp
Classification: Likely benign. Last evaluated: 2022-01-15. Review status: criteria provided, single submitter. Criteria: Invitae Variant Classification Sherloc (09022015). Collection method: clinical testing. Allele origin: germline.